The following is an entry in ClinVar:

NM_025243.4(SLC19A3):c.816C>A (p.Cys272Ter)

Gene: SLC19A3 (solute carrier family 19 member 3; minus strand). Cytogenetic location: 2q36.3.
Variant type: single nucleotide variant.
Coding change: c.816C>A on transcript NM_025243.4 (MANE Select); coding-DNA position 816, C replaced by A.
Protein change: p.Cys272Ter; replaces cysteine 272 with a stop codon.
Molecular consequence: nonsense.
Genome position (GRCh38, 1-based): chr2:227,698,899, G>T on the plus strand (C>A on the coding strand, the complement: SLC19A3 is on the minus strand). VCF-style: chr2-227698899-G-T. GRCh37 (hg19) VCF-style: chr2-228563615-G-T.
Other names: c.804C>A, p.Cys268Ter (NM_001371414.1, NM_001371413.1); c.816C>A, p.Cys272Ter (NM_001371411.1, NM_001371412.1); short protein forms C268*, C272*.
Identifiers: ClinVar variation 2780017 (VCV002780017.3), dbSNP rs2106328711, ClinGen allele CA350876406.

ClinVar aggregate classification (germline): Pathogenic (1 of 4 stars; one submission).

Conditions:
Biotin-responsive basal ganglia disease (BTBGD). Also called: THIAMINE METABOLISM DYSFUNCTION SYNDROME 2 (BIOTIN- AND THIAMINE-RESPONSIVE TYPE); Thiamine metabolism dysfunction syndrome type 2; Thiamine Transporter-2 Deficiency; Thiamine metabolism dysfunction syndrome 2 (biotin- or thiamine-responsive encephalopathy type 2); thiamine-responsive encephalopathy. Identifiers: Orphanet 199348, Orphanet 65284, MedGen C1843807, MONDO:0011841, OMIM 607483.

Submission:

Labcorp Genetics (formerly Invitae), Labcorp
Classification: Pathogenic for Biotin-responsive basal ganglia disease. Last evaluated: 2023-12-14. Review status: criteria provided, single submitter. Criteria: Invitae Variant Classification Sherloc (09022015). Collection method: clinical testing. Allele origin: germline.
Comment: This sequence change creates a premature translational stop signal (p.Cys272*) in the SLC19A3 gene. It is expected to result in an absent or disrupted protein product. Loss-of-function variants in SLC19A3 are known to be pathogenic (PMID: 23423671, 23482991). This variant is not present in population databases (gnomAD no frequency). This premature translational stop signal has been observed in individual(s) with clinical features of SLC19A3-related conditions (PMID: 34276785). For these reasons, this variant has been classified as Pathogenic.

Literature cited by the submitters: PubMed 23423671; PubMed 23482991; PubMed 34276785.